The following is an entry in ClinVar:

NM_001613.4(ACTA2):c.990+5T>C

Genes: ACTA2 (actin alpha 2, smooth muscle; minus strand), ACTA2-AS1 (ACTA2 antisense RNA 1; plus strand). Cytogenetic location: 10q23.31.
Variant type: single nucleotide variant.
Coding change: c.990+5T>C on transcript NM_001613.4 (MANE Select); 5 bases into the intron after coding-DNA position 990, T replaced by C.
Molecular consequence: intron variant.
Genome position (GRCh38, 1-based): chr10:88,938,056, A>G on the plus strand (T>C on the coding strand, the complement: ACTA2 is on the minus strand). VCF-style: chr10-88938056-A-G. GRCh37 (hg19) VCF-style: chr10-90697813-A-G.
Other names: c.861+5T>C (NM_001406467.1, NM_001406468.1, NM_001406469.1); c.990+5T>C (NM_001320855.2, NM_001406462.1, NM_001141945.3 and 2 more transcripts); c.798+5T>C (NM_001406471.1); c.879+5T>C (NM_001406466.1).
Identifiers: ClinVar variation 4759051 (VCV004759051.1).

ClinVar aggregate classification (germline): Uncertain significance (1 of 4 stars; one submission).

Conditions:
Familial thoracic aortic aneurysm and aortic dissection (TAAD). Also called: Thoracic aortic aneurysms and dissections. Identifiers: Orphanet 91387, MedGen C4707243, MONDO:0019625.

Submission:

Color Diagnostics, LLC DBA Color Health
Classification: Uncertain significance for Familial thoracic aortic aneurysm and aortic dissection. Last evaluated: 2025-08-04. Review status: criteria provided, single submitter. Criteria: ACMG Guidelines, 2015. Collection method: clinical testing. Allele origin: germline.
Comment: This variant causes a T to C nucleotide substitution at the +5 position of intron 8/8 of the ACTA2 gene. To our knowledge, functional studies have not been reported for this variant. This variant has not been reported in individuals affected with ACTA2-related disorders in the literature. This variant has not been identified in the general population by the Genome Aggregation Database (gnomAD). The available evidence is insufficient to determine the role of this variant in disease conclusively. Therefore, this variant is classified as a Variant of Uncertain Significance.